The following is an entry in ClinVar:

ClinVar aggregate classification (germline): Uncertain significance (0 of 4 stars; one submission).

Conditions:
GNAS-related disorder. Identifiers: MedGen CN380105.

Submission:

PreventionGenetics, part of Exact Sciences
Classification: Uncertain significance for GNAS-related condition. Last evaluated: 2024-08-26. Review status: no assertion criteria provided. Collection method: clinical testing. Allele origin: germline.
Comment: The GNAS c.1175_1176delinsTG variant is predicted to result in an in-frame deletion and insertion. To our knowledge, this variant has not been reported in the literature or in a large population database, indicating this variant is rare. At this time, the clinical significance of this variant is uncertain due to the absence of conclusive functional and genetic evidence.

NM_080425.4(GNAS):c.1362_1363delinsTG (p.Ser455Ala)

Gene: GNAS (GNAS complex locus; plus strand). Cytogenetic location: 20q13.32.
Variant type: Indel.
Coding change: c.1362_1363delinsTG on transcript NM_080425.4 (MANE Plus Clinical); coding-DNA positions 1362 to 1363, CT replaced by TG.
Protein change: p.Ser455Ala; replaces serine 455 with alanine.
Molecular consequence: missense variant. On other transcripts: intron variant (3).
Genome position (GRCh38, 1-based): chr20:58,854,627-58,854,628, CT replaced by TG. VCF-style: chr20-58854627-CT-TG. GRCh37 (hg19) VCF-style: chr20-57429682-CT-TG.
Other names: c.*42+13741_*42+13742delinsTG (NM_016592.5); c.43+13741_43+13742delinsTG (NM_001410912.1); c.-39+12752_-39+12753delinsTG (NM_001309861.2); c.1175_1176delinsTG, p.Thr392Met (NM_001077490.3, NM_001309883.1); c.1362_1363delinsTG, p.Ser455Ala (NM_001410913.1); short protein forms S455A, T392M.
Identifiers: ClinVar variation 3344140 (VCV003344140.1).